The following is an entry in ClinVar:

ClinVar aggregate classification (germline): Pathogenic (1 of 4 stars; one submission).

Conditions:
Hereditary cancer-predisposing syndrome. Also called: Hereditary Cancer Syndrome; Tumor predisposition; Hereditary neoplastic syndrome; Neoplastic Syndromes, Hereditary. Identifiers: Orphanet 140162, MedGen C0027672, MeSH D009386, MONDO:0015356.

Submission:

Labcorp Genetics (formerly Invitae), Labcorp
Classification: Pathogenic for Hereditary cancer-predisposing syndrome. Last evaluated: 2021-10-21. Review status: criteria provided, single submitter. Criteria: Invitae Variant Classification Sherloc (09022015). Collection method: clinical testing. Allele origin: germline.
Comment: For these reasons, this variant has been classified as Pathogenic. This variant has not been reported in the literature in individuals affected with RAD50-related conditions. This variant is not present in population databases (ExAC no frequency). This sequence change creates a premature translational stop signal (p.Gln817*) in the RAD50 gene. It is expected to result in an absent or disrupted protein product. Loss-of-function variants in RAD50 are known to be pathogenic (PMID: 19409520).

Literature cited by the submitters: PubMed 19409520.

NM_005732.4(RAD50):c.2449C>T (p.Gln817Ter)

Gene: RAD50 (RAD50 double strand break repair protein; plus strand). Cytogenetic location: 5q31.1.
Variant type: single nucleotide variant.
Coding change: c.2449C>T on transcript NM_005732.4 (MANE Select); coding-DNA position 2449, C replaced by T.
Protein change: p.Gln817Ter; replaces glutamine 817 with a stop codon.
Molecular consequence: nonsense.
Genome position (GRCh38, 1-based): chr5:132,603,971, C>T. VCF-style: chr5-132603971-C-T. GRCh37 (hg19) VCF-style: chr5-131939663-C-T.
Other names: short protein forms Q817*.
Identifiers: ClinVar variation 1411849 (VCV001411849.6), dbSNP rs2149847267, ClinGen allele CA360955559.